The following is an entry in ClinVar:

ClinVar aggregate classification (germline): Uncertain significance (1 of 4 stars; one submission).

Conditions:
Early-infantile DEE. Also called: Early infantile epileptic encephalopathy with suppression bursts; Early infantile epileptic encephalopathy; Ohtahara syndrome. Identifiers: Orphanet 1934, MedGen C0393706, MONDO:0800491.

Submission:

Labcorp Genetics (formerly Invitae), Labcorp
Classification: Uncertain significance for Early-infantile DEE. Last evaluated: 2022-07-17. Review status: criteria provided, single submitter. Criteria: Invitae Variant Classification Sherloc (09022015). Collection method: clinical testing. Allele origin: germline.
Comment: In summary, the available evidence is currently insufficient to determine the role of this variant in disease. Therefore, it has been classified as a Variant of Uncertain Significance. Algorithms developed to predict the effect of missense changes on protein structure and function (SIFT, PolyPhen-2, Align-GVGD) all suggest that this variant is likely to be tolerated. This variant has not been reported in the literature in individuals affected with SCN8A-related conditions. This variant is not present in population databases (gnomAD no frequency). This sequence change replaces aspartic acid, which is acidic and polar, with glycine, which is neutral and non-polar, at codon 533 of the SCN8A protein (p.Asp533Gly).

NM_001330260.2(SCN8A):c.1598A>G (p.Asp533Gly)

Gene: SCN8A (sodium voltage-gated channel alpha subunit 8; plus strand). Cytogenetic location: 12q13.13.
Variant type: single nucleotide variant.
Coding change: c.1598A>G on transcript NM_001330260.2 (MANE Select); coding-DNA position 1598, A replaced by G.
Protein change: p.Asp533Gly; replaces aspartic acid 533 with glycine.
Molecular consequence: missense variant.
Genome position (GRCh38, 1-based): chr12:51,706,678, A>G. VCF-style: chr12-51706678-A-G. GRCh37 (hg19) VCF-style: chr12-52100462-A-G.
Other names: c.1598A>G, p.Asp533Gly (NM_001177984.3, NM_001369788.1, NM_014191.4); short protein forms D533G.
Identifiers: ClinVar variation 1716677 (VCV001716677.5), dbSNP rs2540186460, ClinGen allele CA385229160.
Genomic context (GRCh38, chr12:51,706,678, plus strand): 5'-AGAAGGTGTTTAAGTCAGAGTCAGAAGATGGCATGAGAAGGAAGGCCTTTCGGCTGCCAG[A>G]CAACAGAATAGGGAGGAAATTTTCCATCATGAATCAGGTAAACTCTTCTTTTTTCTATAC-3'
Protein context (NP_001317189.1, residues 523-543): GMRRKAFRLP[Asp533Gly]NRIGRKFSIM